The following is an entry in ClinVar:

ClinVar aggregate classification (germline): Uncertain significance. Review status: criteria provided, multiple submitters, no conflicts (2 of 4 stars). 2 submissions from 2 submitters: Uncertain significance (2). Last evaluated 2025-08-30.

Conditions:
Zellweger spectrum disorders (ZS). Also called: Zellweger Spectrum Disorder; Zellweger Spectrum; Zellweger syndrome; Zellweger Spectrum Disorder (ZSD). Identifiers: Orphanet 912, MedGen C0043459, MONDO:0019609.
Inborn genetic diseases. Identifiers: MedGen C0950123, MeSH D030342.

Allele frequency attached by ClinVar (database versions not stated): gnomAD exomes below 0.00001; ExAC 0.00001; TOPMed 0.00001.

Submissions (2):

Ambry Genetics
Classification: Uncertain significance for Inborn genetic diseases. Last evaluated: 2025-08-30. Review status: criteria provided, single submitter. Criteria: Ambry Variant Classification Scheme 2023. Collection method: clinical testing. Allele origin: germline.

Labcorp Genetics (formerly Invitae), Labcorp
Classification: Uncertain significance for Zellweger spectrum disorders. Last evaluated: 2021-06-23. Review status: criteria provided, single submitter. Criteria: Invitae Variant Classification Sherloc (09022015). Collection method: clinical testing. Allele origin: germline.
Comment: This sequence change replaces methionine with valine at codon 361 of the PEX1 protein (p.Met361Val). The methionine residue is weakly conserved and there is a small physicochemical difference between methionine and valine. This variant is present in population databases (rs746906648, ExAC 0.01%). This variant has not been reported in the literature in individuals affected with PEX1-related conditions. Advanced modeling of protein sequence and biophysical properties (such as structural, functional, and spatial information, amino acid conservation, physicochemical variation, residue mobility, and thermodynamic stability) performed at Invitae indicates that this missense variant is not expected to disrupt PEX1 protein function. Algorithms developed to predict the effect of sequence changes on RNA splicing suggest that this variant may create or strengthen a splice site. In summary, the available evidence is currently insufficient to determine the role of this variant in disease. Therefore, it has been classified as a Variant of Uncertain Significance.

NM_000466.3(PEX1):c.1081A>G (p.Met361Val)

Gene: PEX1 (peroxisomal biogenesis factor 1; minus strand). Cytogenetic location: 7q21.2.
Variant type: single nucleotide variant.
Coding change: c.1081A>G on transcript NM_000466.3 (MANE Select); coding-DNA position 1081, A replaced by G.
Protein change: p.Met361Val; replaces methionine 361 with valine.
Molecular consequence: missense variant.
Genome position (GRCh38, 1-based): chr7:92,517,434, T>C on the plus strand (A>G on the coding strand, the complement: PEX1 is on the minus strand). VCF-style: chr7-92517434-T-C. GRCh37 (hg19) VCF-style: chr7-92146748-T-C.
Other names: c.1081A>G, p.Met361Val (NM_001282677.2); c.457A>G, p.Met153Val (NM_001282678.2); c.1081A>G (NM_000466.2); short protein forms M153V, M361V.
Identifiers: ClinVar variation 1487803 (VCV001487803.9), dbSNP rs746906648, ClinGen allele CA4341495.